The following is an entry in ClinVar:

ClinVar aggregate classification (germline): Uncertain significance (1 of 4 stars; one submission).

Conditions:
Epilepsy, progressive myoclonic, 1B. Also called: PME. Identifiers: Orphanet 308, MedGen C2676254, MONDO:0012904, OMIM 612437.

Allele frequency attached by ClinVar (database versions not stated): TOPMed below 0.00001.
gnomAD v4.1: 1 of 1,613,002 alleles (0.000062%); no homozygotes.

Submission:

Labcorp Genetics (formerly Invitae), Labcorp
Classification: Uncertain significance for Epilepsy, progressive myoclonic, 1B. Last evaluated: 2021-11-09. Review status: criteria provided, single submitter. Criteria: Invitae Variant Classification Sherloc (09022015). Collection method: clinical testing. Allele origin: germline.
Comment: This sequence change replaces leucine, which is neutral and non-polar, with proline, which is neutral and non-polar, at codon 563 of the PRICKLE1 protein (p.Leu563Pro). This variant is not present in population databases (gnomAD no frequency). This variant has not been reported in the literature in individuals affected with PRICKLE1-related conditions. Algorithms developed to predict the effect of missense changes on protein structure and function (SIFT, PolyPhen-2, Align-GVGD) all suggest that this variant is likely to be disruptive. In summary, the available evidence is currently insufficient to determine the role of this variant in disease. Therefore, it has been classified as a Variant of Uncertain Significance.

NM_153026.3(PRICKLE1):c.1688T>C (p.Leu563Pro)

Gene: PRICKLE1 (prickle planar cell polarity protein 1; minus strand). Cytogenetic location: 12q12.
Variant type: single nucleotide variant.
Coding change: c.1688T>C on transcript NM_153026.3 (MANE Select); coding-DNA position 1688, T replaced by C.
Protein change: p.Leu563Pro; replaces leucine 563 with proline.
Molecular consequence: missense variant.
Genome position (GRCh38, 1-based): chr12:42,460,617, A>G on the plus strand (T>C on the coding strand, the complement: PRICKLE1 is on the minus strand). VCF-style: chr12-42460617-A-G. GRCh37 (hg19) VCF-style: chr12-42854419-A-G.
Other names: c.1688T>C, p.Leu563Pro (NM_001144881.2, NM_001144882.2, NM_001144883.2); short protein forms L563P.
Identifiers: ClinVar variation 1442193 (VCV001442193.3), dbSNP rs1002543932, ClinGen allele CA235488843.
Genomic context (GRCh38, chr12:42,460,617, plus strand): 5'-AAAGTTCCCATATTGCTCATCTTCTCACAATCTTCTGTTTCCATCTCCTCAAAATTTTGC[A>G]GAGAATACAATGATGGCCTTGGCTTGTTTTCTCCATCCACCGAAGCCCCTAGAAGAGAGG-3'
Protein context (NP_694571.2, residues 553-573): ENKPRPSLYS[Leu563Pro]QNFEEMETED